The following is an entry in ClinVar:

NM_006531.5(IFT88):c.259A>C (p.Ile87Leu)

Gene: IFT88 (intraflagellar transport 88; plus strand). Cytogenetic location: 13q12.11.
Variant type: single nucleotide variant.
Coding change: c.259A>C on transcript NM_006531.5 (MANE Select); coding-DNA position 259, A replaced by C.
Protein change: p.Ile87Leu; replaces isoleucine 87 with leucine.
Molecular consequence: missense variant. On other transcripts: non-coding transcript variant (5), 5 prime UTR variant (1).
Genome position (GRCh38, 1-based): chr13:20,591,015, A>C. VCF-style: chr13-20591015-A-C. GRCh37 (hg19) VCF-style: chr13-21165154-A-C.
Other names: c.202A>C, p.Ile68Leu (NM_001318491.2, NM_001353573.2, NM_001353574.2 and 1 more transcripts); c.286A>C, p.Ile96Leu (NM_001318493.2, NM_001353565.2, NM_001353566.2 and 6 more transcripts); c.259A>C, p.Ile87Leu (NM_001353568.2, NM_001353571.2, NM_001353572.2 and 1 more transcripts); c.-305A>C (NM_001353579.2); short protein forms I68L, I96L, I87L.
Identifiers: ClinVar variation 2177563 (VCV002177563.4), dbSNP rs780723603, ClinGen allele CA387471689.

ClinVar aggregate classification (germline): Uncertain significance (1 of 4 stars; one submission).

gnomAD v4.1: 2 of 1,608,194 alleles (0.00012%); highest among the groups gnomAD compares: Non-Finnish European, 0.00017%; no homozygotes.

Submission:

Labcorp Genetics (formerly Invitae), Labcorp
Classification: Uncertain significance. Last evaluated: 2024-11-05. Review status: criteria provided, single submitter. Criteria: Invitae Variant Classification Sherloc (09022015). Collection method: clinical testing. Allele origin: germline.
Comment: This sequence change replaces isoleucine, which is neutral and non-polar, with leucine, which is neutral and non-polar, at codon 96 of the IFT88 protein (p.Ile96Leu). This variant is not present in population databases (gnomAD no frequency). This variant has not been reported in the literature in individuals affected with IFT88-related conditions. ClinVar contains an entry for this variant (Variation ID: 2177563). An algorithm developed to predict the effect of missense changes on protein structure and function outputs the following: PolyPhen-2: "Benign". The leucine amino acid residue is found in multiple mammalian species, which suggests that this missense change does not adversely affect protein function. In summary, the available evidence is currently insufficient to determine the role of this variant in disease. Therefore, it has been classified as a Variant of Uncertain Significance.